The following is an entry in ClinVar:

ClinVar aggregate classification (germline): Pathogenic (1 of 4 stars; one submission).

Conditions:
Hereditary cancer-predisposing syndrome. Also called: Neoplastic Syndromes, Hereditary; Tumor predisposition; Hereditary Cancer Syndrome; Hereditary neoplastic syndrome. Identifiers: Orphanet 140162, MedGen C0027672, MeSH D009386, MONDO:0015356.
Cardiovascular phenotype. Identifiers: MedGen CN230736.

Submission:

Ambry Genetics
Classification: Pathogenic for Cardiovascular phenotype; Hereditary cancer-predisposing syndrome. Last evaluated: 2022-04-22. Review status: criteria provided, single submitter. Criteria: Ambry Variant Classification Scheme 2023. Collection method: clinical testing. Allele origin: germline.
Comment: The c.3866delT pathogenic mutation, located in coding exon 28 of the NF1 gene, results from a deletion of one nucleotide at nucleotide position 3866, causing a translational frameshift with a predicted alternate stop codon (p.F1289Sfs*20). This alteration has been observed in at least one individual with a personal and/or family history that is consistent with NF1-related disease (Ambry internal data). This variant is considered to be rare based on population cohorts in the Genome Aggregation Database (gnomAD). This alteration is expected to result in loss of function by premature protein truncation or nonsense-mediated mRNA decay. As such, this alteration is interpreted as a disease-causing mutation.

NM_001042492.3(NF1):c.3866del (p.Phe1289fs)

Gene: NF1 (neurofibromin 1; plus strand). Cytogenetic location: 17q11.2.
Variant type: Deletion.
Coding change: c.3866del on transcript NM_001042492.3 (MANE Select); coding-DNA position 3866, one base deleted (T; older notation c.3866delT).
Protein change: p.Phe1289fs; shifts the reading frame from phenylalanine 1289.
Molecular consequence: frameshift variant.
Genome position (GRCh38, 1-based): chr17:31,235,768, T deleted; the last of 3 consecutive T bases (chr17:31,235,766-31,235,768); deleting any one gives the same sequence. VCF-style (leftmost placement, unchanged base first): chr17-31235765-GT-G. GRCh37 (hg19) VCF-style: chr17-29562783-GT-G.
Other names: c.3866delT (NM_000267.3); c.3866delT, p.Phe1289Serfs (NM_000267.4); short protein forms F1289fs.
Identifiers: ClinVar variation 1735644 (VCV001735644.2), dbSNP rs2067189705, ClinGen allele CA2580093101.